The following is an entry in ClinVar:

NM_001080397.3(SLC45A1):c.1582G>A (p.Val528Ile)

Gene: SLC45A1 (solute carrier family 45 member 1; plus strand). Cytogenetic location: 1p36.23.
Variant type: single nucleotide variant.
Coding change: c.1582G>A on transcript NM_001080397.3 (MANE Select); coding-DNA position 1582, G replaced by A.
Protein change: p.Val528Ile; replaces valine 528 with isoleucine.
Molecular consequence: missense variant.
Genome position (GRCh38, 1-based): chr1:8,335,575, G>A. VCF-style: chr1-8335575-G-A. GRCh37 (hg19) VCF-style: chr1-8395635-G-A.
Other names: c.1582G>A, p.Val528Ile (NM_001379614.1); c.1489G>A, p.Val497Ile (NM_001379615.1, NM_001379616.1); c.976G>A, p.Val326Ile (NM_001379617.1, NM_001379618.1); c.1684G>A (NM_001080397.2); short protein forms V497I, V528I, V326I.
Identifiers: ClinVar variation 1029018 (VCV001029018.5), dbSNP rs367968730, ClinGen allele CA570434.

ClinVar aggregate classification (germline): Uncertain significance. Review status: criteria provided, multiple submitters, no conflicts (2 of 4 stars). 4 submissions from 4 submitters: Uncertain significance (4). Last evaluated 2025-08-18.

Conditions:
SLC45A1-related disorder. Also called: SLC45A1-related condition.
Intellectual developmental disorder with neuropsychiatric features. Identifiers: MedGen C4479636, MONDO:0044322, OMIM 617532.

Allele frequency attached by ClinVar (database versions not stated): ExAC 0.00004; gnomAD exomes 0.00004; ESP Exome Variant Server 0.00008; TOPMed 0.00012; 1000 Genomes Project 30x 0.00016; gnomAD 0.00016 and 0.00017; 1000 Genomes Project 0.00020.
gnomAD v4.1: 80 of 1,603,674 alleles (0.005%); highest among the groups gnomAD compares: Middle Eastern, 0.066%; no homozygotes.

Submissions (4):

PreventionGenetics, part of Exact Sciences
Classification: Uncertain significance for SLC45A1-related condition. Last evaluated: 2025-08-18. Review status: criteria provided, single submitter. Criteria: ACMG Guidelines, 2015. Collection method: clinical testing. Allele origin: germline.
Comment: The SLC45A1 c.1684G>A variant is predicted to result in the amino acid substitution p.Val562Ile. To our knowledge, this variant has not been reported in the literature. This variant is reported in 0.040% of alleles in individuals of African descent in gnomAD. At this time, the clinical significance of this variant is uncertain due to the absence of conclusive functional and genetic evidence.

Ambry Genetics
Classification: Uncertain significance. Last evaluated: 2025-08-04. Review status: criteria provided, single submitter. Criteria: Ambry Variant Classification Scheme 2023. Collection method: clinical testing. Allele origin: germline.

Fulgent Genetics
Classification: Uncertain significance for Intellectual developmental disorder with neuropsychiatric features. Last evaluated: 2021-09-24. Review status: criteria provided, single submitter. Criteria: ACMG Guidelines, 2015. Collection method: clinical testing. Allele origin: unknown.

Baylor Genetics
Classification: Uncertain significance for Intellectual developmental disorder with neuropsychiatric features. Last evaluated: 2019-02-14. Review status: criteria provided, single submitter. Criteria: ACMG Guidelines, 2015. Collection method: clinical testing. Allele origin: unknown. Affected: yes.
Comment: This variant was determined to be of uncertain significance according to ACMG Guidelines, 2015 [PMID:25741868].